The following is an entry in ClinVar:

NM_000540.3(RYR1):c.742G>C (p.Gly248Arg)

Gene: RYR1 (ryanodine receptor 1; plus strand). Cytogenetic location: 19q13.2.
Variant type: single nucleotide variant.
Coding change: c.742G>C on transcript NM_000540.3 (MANE Select); coding-DNA position 742, G replaced by C.
Protein change: p.Gly248Arg; replaces glycine 248 with arginine.
Molecular consequence: missense variant.
Genome position (GRCh38, 1-based): chr19:38,446,710, G>C. VCF-style: chr19-38446710-G-C. GRCh37 (hg19) VCF-style: chr19-38937350-G-C.
Other names: NM_000540.2(RYR1):c.742G>C; c.742G>C, p.Gly248Arg (NM_001042723.2); short protein forms G248R.
Identifiers: ClinVar variation 133203 (VCV000133203.57), dbSNP rs1801086, ClinGen allele CA024799.
Genomic context (GRCh38, chr19:38,446,710, plus strand): 5'-CCGGGGAGCTGAACCCTTGACTTCACTCTCTTCTGTGTCCCCAGACTTGTCTACTATGAG[G>C]GGGGAGCTGTGTGCACTCATGCCCGCTCCCTCTGGAGGCTGGAGCCACTGAGAATCAGGT-3'
Protein context (NP_000531.2, residues 238-258): DDQRRLVYYE[Gly248Arg]GAVCTHARSL

ClinVar aggregate classification (germline): Pathogenic. Review status: reviewed by expert panel (3 of 4 stars). 15 submissions from 15 submitters: Pathogenic (1). 14 of the submissions do not count toward it. Last evaluated 2022-09-08.

Conditions:
RYR1-related disorder. Also called: RYR1-related disorders; RYR1-related condition. Identifiers: MedGen CN239331.
Autism spectrum disorder due to AUTS2 deficiency (MRD26). Also called: INTELLECTUAL DEVELOPMENTAL DISORDER, AUTOSOMAL DOMINANT 26. Identifiers: Orphanet 352490, MedGen C4014435, MONDO:0014361, OMIM 615834.
Malignant hyperthermia of anesthesia. Also called: Anesthesic-triggered malignant hyperthermia. Identifiers: Orphanet 423, MedGen C0024591, MONDO:0018493, HP:0034733.
Malignant hyperthermia, susceptibility to, 1 (MHS1). Also called: Malignant hyperthermia suceptibility 1; Anesthesia related hyperthermia; Malignant hyperpyrexia; Fulminating hyperpyrexia; Pharmacogenic myopathy; RYR1-Related Malignant Hyperthermia Susceptibility. Identifiers: Orphanet 423, MedGen C2930980, MONDO:0007783, OMIM 145600.
Malignant hyperthermia. Identifiers: MedGen C5779784, HP:0002047.

gnomAD v4.1: 10 of 1,613,844 alleles (0.00062%); highest among the groups gnomAD compares: East Asian, 0.0022%; no homozygotes.

Submissions 1 to 5 of 15:

ClinGen Malignant Hyperthermia Susceptibility Variant Curation Expert Panel, ClinGen
Classification: Pathogenic for Malignant hyperthermia, susceptibility to, 1. Last evaluated: 2022-09-08. Review status: reviewed by expert panel. Criteria: ClinGen MHS ACMG Specifications V2. Collection method: curation. Allele origin: germline. Inheritance: Autosomal dominant inheritance.
Comment: This pathogenicity assessment is relevant only for malignant hyperthermia susceptibility (MHS) inherited in an autosomal dominant pattern. Variants in RYR1 can also cause other myopathies inherited in an autosomal dominant pattern or in an autosomal recessive pattern. Some of these disorders may predispose individuals to malignant hyperthermia. RYR1 variants may also contribute to a malignant hyperthermia reaction in combination with other genetic and non-genetic factors and the clinician needs to consider such factors in making management decisions. This sequence variant predicts a substitution of glycine with arginine at codon 248 of the RYR1 protein c.742G>C; p.(Gly248Arg). The maximum allele frequency for this variant among the six major gnomAD populations is EAS: 0.00005), a frequency consistent with pathogenicity for MHS. This variant has been reported in four unrelated individuals who have a personal or family history of a malignant hyperthermia reaction and a positive in vitro contracture test (IVCT) or caffeine halothane contracture test (CHCT) result (when the proband was unavailable for testing a positive diagnostic test result in a mutation positive relative was counted), PS4_Moderate (PMID:30236257, PMID:19346234). This variant segregates with MHS in five individuals/families, PP1_Moderate (PMID:30236257, PMID:19346234, PMID:18564801). Functional studies in HEK293 cells show an increased sensitivity to RYR1 agonists, PS3_Moderate (PMID:26115329, PMID:27857962). Another variant assessed as pathogenic occurs at this codon, c.742G>A; p.(Gly248Arg), PS1. This variant resides in a region of RYR1 considered to be a hotspot for pathogenic variants that contribute to MHS, use PM1_Supporting to avoid overweighting with PS1 (PMID: 21118704).A REVEL score > 0.85 supports pathogenicity, PP3_Moderate. This variant has been classified as Pathogenic. Criteria implemented: PS4_Moderate, PS3_Moderate, PM1_Supporting, PS1, PP1_Moderate, PP3_Moderate.

Clinical Genetics Laboratory, Skane University Hospital Lund
Classification: Pathogenic for Malignant hyperthermia. Last evaluated: 2026-05-27. Review status: criteria provided, single submitter. Criteria: ACMG Guidelines, 2015. Collection method: clinical testing. Allele origin: germline. Affected: yes. Not counted in ClinVar's aggregate classification.
Comment: Classified pathogenic by ClinGen Malignant Hyperthermia Susceptibility Variant Curation Expert Panel and European Malignant Hyperthermia Group.

Women's Health and Genetics/Laboratory Corporation of America, LabCorp
Classification: Pathogenic for Malignant hyperthermia of anesthesia. Last evaluated: 2025-11-06. Review status: criteria provided, single submitter. Criteria: LabCorp Variant Classification Summary - May 2015. Collection method: clinical testing. Allele origin: germline. Not counted in ClinVar's aggregate classification.
Comment: Variant summary: RYR1 c.742G>C (p.Gly248Arg) results in a non-conservative amino acid change in the encoded protein sequence. Algorithms developed to predict the effect of missense changes on protein structure and function all suggest that this variant is likely to be disruptive. The variant allele was found at a frequency of 1.2e-05 in 251188 control chromosomes. c.742G>C has been observed in individual(s) affected with Malignant Hyperthermia Susceptibility (e.g. Brandom_2013, Ginz_2009, Gillies_2008). Additionally, another missense change resulting in the same amino acid change (c.742G>A, Gly248Arg) is classified on the pathogenic spectrum in ClinVar. These data indicate that the variant is very likely to be associated with disease. At least one publication reports experimental evidence evaluating an impact on protein function (e.g. Tong_1997, Sato_2010), these studies show that this missense change affects protein function . The following publications have been ascertained in the context of this evaluation (PMID: 23558838, 18564801, 19890226, 19931341, 9334205). ClinVar contains an entry for this variant (Variation ID: 133203). Based on the evidence outlined above, the variant was classified as pathogenic.

Labcorp Genetics (formerly Invitae), Labcorp
Classification: Pathogenic for RYR1-related disorder. Last evaluated: 2025-11-01. Review status: criteria provided, single submitter. Criteria: Invitae Variant Classification Sherloc (09022015). Collection method: clinical testing. Allele origin: germline. Not counted in ClinVar's aggregate classification.
Comment: This sequence change replaces glycine, which is neutral and non-polar, with arginine, which is basic and polar, at codon 248 of the RYR1 protein (p.Gly248Arg). This variant is present in population databases (rs1801086, gnomAD 0.005%). This missense change has been observed in individuals with autosomal dominant malignant hyperthermia susceptibility (PMID: 1354642, 11575529, 15448513, 18564801, 19648156, 23558838). ClinVar contains an entry for this variant (Variation ID: 133203). Invitae Evidence Modeling of protein sequence and biophysical properties (such as structural, functional, and spatial information, amino acid conservation, physicochemical variation, residue mobility, and thermodynamic stability) has been performed for this missense variant. However, the output from this modeling did not meet the statistical confidence thresholds required to predict the impact of this variant on RYR1 protein function. Experimental studies have shown that this missense change affects RYR1 function (PMID: 6917943, 9334205, 9873004, 12565913, 23919265, 27857962). For these reasons, this variant has been classified as Pathogenic.

ARUP Laboratories, Molecular Genetics and Genomics, ARUP Laboratories
Classification: Pathogenic. Last evaluated: 2025-02-13. Review status: criteria provided, single submitter. Criteria: ARUP Molecular Germline Variant Investigation Process 2024. Collection method: clinical testing. Allele origin: germline. Not counted in ClinVar's aggregate classification.
Comment: The RYR1 c.742G>C; p.Gly248Arg variant (rs1801086) is published in the literature in several individuals affected with malignant hyperthermia (MH), confirmed by caffeine/halothane contracture test (Brandom 2013, Gillies 2008, Sambuughin 2001, Sei 2004) and is considered diagnostic for MH by the European Malignant Hyperthermia group. The variant is described as pathogenic by several sources in the ClinVar database (Variation ID: 133203) and is only found on 4 alleles in the Genome Aggregation Database, indicating it is not a common polymorphism. The glycine at codon 248 is highly conserved and computational analyses predict that this variant is deleterious (REVEL: 0.883). In support of this prediction, functional studies show variants in this region cause hyperactive RYR1 channels (Tong 1997). Based on available information, this variant is classified as pathogenic. References: Brandom BW et al. Ryanodine receptor type 1 gene variants in the malignant hyperthermia-susceptible population of the United States. Anesth Analg. 2013 May;116(5):1078-86. Gillies RL et al. Identification of genetic mutations in Australian malignant hyperthermia families using sequencing of RYR1 hotspots. Anaesth Intensive Care. 2008 May;36(3):391-403. Sambuughin N et al. North American malignant hyperthermia population: screening of the ryanodine receptor gene and identification of novel mutations. Anesthesiology. 2001 Sep;95(3):594-9. Sei Y et al. Malignant hyperthermia in North America: genetic screening of the three hot spots in the type I ryanodine receptor gene. Anesthesiology. 2004 Oct;101(4):824-30. Tong J et al. Caffeine and halothane sensitivity of intracellular Ca2+ release is altered by 15 calcium release channel (ryanodine receptor) mutations associated with malignant hyperthermia and/or central core disease. J Biol Chem. 1997 Oct 17;272(42):26332-9.